The following is an entry in ClinVar:

NM_001035.3(RYR2):c.10650A>G (p.Arg3550=)

Gene: RYR2 (ryanodine receptor 2; plus strand). Cytogenetic location: 1q43.
Variant type: single nucleotide variant.
Coding change: c.10650A>G on transcript NM_001035.3 (MANE Select); coding-DNA position 10650, A replaced by G.
Protein change: p.Arg3550=; no amino-acid change (arginine 3550 retained).
Molecular consequence: synonymous variant.
Genome position (GRCh38, 1-based): chr1:237,723,223, A>G. VCF-style: chr1-237723223-A-G. GRCh37 (hg19) VCF-style: chr1-237886523-A-G.
Identifiers: ClinVar variation 3673134 (VCV003673134.2).

ClinVar aggregate classification (germline): Uncertain significance (1 of 4 stars; one submission).

Conditions:
Catecholaminergic polymorphic ventricular tachycardia 1. Also called: VENTRICULAR TACHYCARDIA, CATECHOLAMINERGIC POLYMORPHIC, 1, WITH OR WITHOUT ATRIAL DYSFUNCTION AND/OR DILATED CARDIOMYOPATHY; VENTRICULAR TACHYCARDIA, STRESS-INDUCED POLYMORPHIC 1; RYR2-Related Catecholaminergic Polymorphic Ventricular Tachycardia. Identifiers: Orphanet 3286, MedGen C1631597, MONDO:0011484, OMIM 604772.

Submission:

Labcorp Genetics (formerly Invitae), Labcorp
Classification: Uncertain significance for Catecholaminergic polymorphic ventricular tachycardia 1. Last evaluated: 2024-05-10. Review status: criteria provided, single submitter. Criteria: Invitae Variant Classification Sherloc (09022015). Collection method: clinical testing. Allele origin: germline.
Comment: This sequence change affects codon 3550 of the RYR2 mRNA. It is a 'silent' change, meaning that it does not change the encoded amino acid sequence of the RYR2 protein. This variant is not present in population databases (gnomAD no frequency). This variant has not been reported in the literature in individuals affected with RYR2-related conditions. Algorithms developed to predict the effect of sequence changes on RNA splicing suggest that this variant may create or strengthen a splice site. In summary, the available evidence is currently insufficient to determine the role of this variant in disease. Therefore, it has been classified as a Variant of Uncertain Significance.